The following is an entry in ClinVar:

ClinVar aggregate classification (germline): Uncertain significance (1 of 4 stars; one submission).

Allele frequency attached by ClinVar (database versions not stated): gnomAD exomes below 0.00001.
gnomAD v4.1: 2 of 1,611,772 alleles (0.00012%); highest among the groups gnomAD compares: East Asian, 0.0045%; no homozygotes.

Submission:

Labcorp Genetics (formerly Invitae), Labcorp
Classification: Uncertain significance. Last evaluated: 2021-07-22. Review status: criteria provided, single submitter. Criteria: Invitae Variant Classification Sherloc (09022015). Collection method: clinical testing. Allele origin: germline.
Comment: In summary, the available evidence is currently insufficient to determine the role of this variant in disease. Therefore, it has been classified as a Variant of Uncertain Significance. Nucleotide substitutions within the consensus splice site are a relatively common cause of aberrant splicing (PMID: 17576681, 9536098). Algorithms developed to predict the effect of sequence changes on RNA splicing suggest that this variant may disrupt the consensus splice site. Algorithms developed to predict the effect of missense changes on protein structure and function (SIFT, PolyPhen-2, Align-GVGD) all suggest that this variant is likely to be disruptive. This variant has not been reported in the literature in individuals affected with COL13A1-related conditions. This variant is not present in population databases (ExAC no frequency). This sequence change replaces lysine with asparagine at codon 417 of the COL13A1 protein (p.Lys417Asn). The lysine residue is highly conserved and there is a moderate physicochemical difference between lysine and asparagine. This variant also falls at the last nucleotide of exon 23, which is part of the consensus splice site for this exon.

Literature cited by the submitters: PubMed 17576681; PubMed 9536098.

NM_001368882.1(COL13A1):c.1284G>C (p.Lys428Asn)

Gene: COL13A1 (collagen type XIII alpha 1 chain; plus strand). Cytogenetic location: 10q22.1.
Variant type: single nucleotide variant.
Coding change: c.1284G>C on transcript NM_001368882.1 (MANE Select); coding-DNA position 1284, G replaced by C.
Protein change: p.Lys428Asn; replaces lysine 428 with asparagine.
Molecular consequence: missense variant.
Genome position (GRCh38, 1-based): chr10:69,923,855, G>C. VCF-style: chr10-69923855-G-C. GRCh37 (hg19) VCF-style: chr10-71683611-G-C.
Other names: c.1248G>C, p.Lys416Asn (NM_001368883.1); c.1221G>C, p.Lys407Asn (NM_001368884.1, NM_001320951.2); c.1080G>C, p.Lys360Asn (NM_001368896.1, NM_001368898.1, NM_080798.4); c.1107G>C, p.Lys369Asn (NM_001368897.1); c.1194G>C, p.Lys398Asn (NM_080800.4, NM_001368895.1); c.1185G>C, p.Lys395Asn (NM_080801.4, NM_080802.4, NM_001368885.1); c.1098G>C, p.Lys366Asn (NM_080805.4); c.621G>C, p.Lys207Asn (NM_001368886.1); and 1 more; short protein forms K207N, K407N, K428N, K395N, K369N, K360N, K366N, K398N.
Identifiers: ClinVar variation 1369265 (VCV001369265.4), dbSNP rs2065002837, ClinGen allele CA376929510.